The following is an entry in ClinVar:

ClinVar aggregate classification (germline): Uncertain significance. Review status: criteria provided, single submitter (1 of 4 stars). 2 submissions from 2 submitters: Uncertain significance (1). 1 of the submissions does not count toward it. Last evaluated 2021-09-24.

Conditions:
Meniere disease. Also called: Ménière's disease. Identifiers: MedGen C0025281, MONDO:0007972, OMIM 156000.

Allele frequency attached by ClinVar (database versions not stated): ESP Exome Variant Server 0.00015.
gnomAD v4.1: 165 of 1,613,960 alleles (0.01%); highest among the groups gnomAD compares: Non-Finnish European, 0.014%; no homozygotes.

Submissions (2):

Labcorp Genetics (formerly Invitae), Labcorp
Classification: Uncertain significance. Last evaluated: 2021-09-24. Review status: criteria provided, single submitter. Criteria: Invitae Variant Classification Sherloc (09022015). Collection method: clinical testing. Allele origin: germline.
Comment: This sequence change replaces arginine with histidine at codon 96 of the FTO protein (p.Arg96His). The arginine residue is highly conserved and there is a small physicochemical difference between arginine and histidine. This variant is present in population databases (rs139577103, ExAC 0.009%). This variant has not been reported in the literature in individuals affected with FTO-related conditions. Algorithms developed to predict the effect of missense changes on protein structure and function (SIFT, PolyPhen-2, Align-GVGD) all suggest that this variant is likely to be disruptive. Experimental studies have shown that this missense change affects FTO function (PMID: 19833892). In summary, the available evidence is currently insufficient to determine the role of this variant in disease. Therefore, it has been classified as a Variant of Uncertain Significance.

Center for Computational Biology & Bioinformatics, University of California, San Diego
Classification: Uncertain significance for Meniere disease. Last evaluated: 2024-06-03. Review status: no assertion criteria provided. Collection method: research. Allele origin: germline. Affected: yes. Not counted in ClinVar's aggregate classification.

Literature cited by the submitters: PubMed 19833892 (cited by Labcorp Genetics (formerly Invitae), Labcorp).

NM_001080432.3(FTO):c.287G>A (p.Arg96His)

Gene: FTO (FTO alpha-ketoglutarate dependent dioxygenase; plus strand). Cytogenetic location: 16q12.2.
Variant type: single nucleotide variant.
Coding change: c.287G>A on transcript NM_001080432.3 (MANE Select); coding-DNA position 287, G replaced by A.
Protein change: p.Arg96His; replaces arginine 96 with histidine.
Molecular consequence: missense variant.
Genome position (GRCh38, 1-based): chr16:53,826,027, G>A. VCF-style: chr16-53826027-G-A. GRCh37 (hg19) VCF-style: chr16-53859939-G-A.
Other names: c.287G>A, p.Arg96His (NM_001363891.2, NM_001363894.2, NM_001363896.2 and 6 more transcripts); c.209G>A, p.Arg70His (NM_001363897.2); c.-227G>A (NM_001363905.2); short protein forms R70H, R96H.
Identifiers: ClinVar variation 1509086 (VCV001509086.4), dbSNP rs139577103, ClinGen allele CA8058352.